The following is an entry in ClinVar:

NM_000633.3(BCL2):c.300C>T (p.Ala100=)

Gene: BCL2 (BCL2 apoptosis regulator; minus strand). Cytogenetic location: 18q21.33.
Variant type: single nucleotide variant.
Coding change: c.300C>T on transcript NM_000633.3 (MANE Select); coding-DNA position 300, C replaced by T.
Protein change: p.Ala100=; no amino-acid change (alanine 100 retained).
Molecular consequence: synonymous variant.
Genome position (GRCh38, 1-based): chr18:63,318,367, G>A on the plus strand (C>T on the coding strand, the complement: BCL2 is on the minus strand). VCF-style: chr18-63318367-G-A. GRCh37 (hg19) VCF-style: chr18-60985600-G-A.
Other names: c.300C>T, p.Ala100= (NM_000657.3).
Identifiers: ClinVar variation 3041306 (VCV003041306.2), dbSNP rs61733416, ClinGen allele CA8985850.

ClinVar aggregate classification (germline): Benign (0 of 4 stars; one submission).

Conditions:
BCL2-related disorder. Also called: BCL2-related condition.

Allele frequency attached by ClinVar (database versions not stated): gnomAD exomes 0.01439; ExAC 0.01610; ESP Exome Variant Server 0.01977; gnomAD 0.02009; TOPMed 0.02126; 1000 Genomes Project 0.02396; 1000 Genomes Project 30x 0.02545.
gnomAD v4.1: 24,118 of 1,604,426 alleles (1.5%); highest among the groups gnomAD compares: African/African-American, 3.5%; 222 homozygotes.

Submission:

PreventionGenetics, part of Exact Sciences
Classification: Benign for BCL2-related condition. Last evaluated: 2019-02-22. Review status: no assertion criteria provided. Collection method: clinical testing. Allele origin: germline.
Comment: This variant is classified as benign based on ACMG/AMP sequence variant interpretation guidelines (Richards et al. 2015 PMID: 25741868, with internal and published modifications).